The following is an entry in ClinVar:

ClinVar aggregate classification (germline): Uncertain significance (1 of 4 stars; one submission).

Conditions:
EP300-related disorder. Also called: EP300-related condition; EP300-related disorders.

gnomAD v4.1: 5 of 1,614,048 alleles (0.00031%); highest among the groups gnomAD compares: Non-Finnish European, 0.00042%; no homozygotes.

Submission:

PreventionGenetics, part of Exact Sciences
Classification: Uncertain significance for EP300-related condition. Last evaluated: 2025-09-03. Review status: criteria provided, single submitter. Criteria: ACMG Guidelines, 2015. Collection method: clinical testing. Allele origin: germline.
Comment: The EP300 c.7160G>T variant is predicted to result in the amino acid substitution p.Gly2387Val. To our knowledge, this variant has not been reported in the literature or in a large population database (gnomAD), indicating this variant is rare. At this time, the clinical significance of this variant is uncertain due to the absence of conclusive functional and genetic evidence.

NM_001429.4(EP300):c.7160G>T (p.Gly2387Val)

Gene: EP300 (EP300 lysine acetyltransferase; plus strand). Cytogenetic location: 22q13.2.
Variant type: single nucleotide variant.
Coding change: c.7160G>T on transcript NM_001429.4 (MANE Select); coding-DNA position 7160, G replaced by T.
Protein change: p.Gly2387Val; replaces glycine 2387 with valine.
Molecular consequence: missense variant.
Genome position (GRCh38, 1-based): chr22:41,178,871, G>T. VCF-style: chr22-41178871-G-T. GRCh37 (hg19) VCF-style: chr22-41574875-G-T.
Other names: c.7082G>T, p.Gly2361Val (NM_001362843.2); short protein forms G2361V, G2387V.
Identifiers: ClinVar variation 4979671 (VCV004979671.1).
Genomic context (GRCh38, chr22:41,178,871, plus strand): 5'-CGGACCAGAATTCAATGCTTTCTCAGCTTGCTAGCAATCCAGGCATGGCAAACCTCCATG[G>T]TGCAAGCGCCACGGACCTGGGACTCAGCACCGATAACTCAGACTTGAATTCAAACCTCTC-3'
Protein context (NP_001420.2, residues 2377-2397): ASNPGMANLH[Gly2387Val]ASATDLGLST